The following is an entry in ClinVar:

NM_182931.3(KMT2E):c.1294T>C (p.Ser432Pro)

Gene: KMT2E (lysine methyltransferase 2E (inactive); plus strand). Cytogenetic location: 7q22.3.
Variant type: single nucleotide variant.
Coding change: c.1294T>C on transcript NM_182931.3 (MANE Select); coding-DNA position 1294, T replaced by C.
Protein change: p.Ser432Pro; replaces serine 432 with proline.
Molecular consequence: missense variant.
Genome position (GRCh38, 1-based): chr7:105,081,733, T>C. VCF-style: chr7-105081733-T-C. GRCh37 (hg19) VCF-style: chr7-104722180-T-C.
Other names: c.1294T>C, p.Ser432Pro (NM_001410908.1, NM_018682.4); short protein forms S432P.
Identifiers: ClinVar variation 3391640 (VCV003391640.1).

ClinVar aggregate classification (germline): Uncertain significance (1 of 4 stars; one submission).

Submission:

GeneDx
Classification: Uncertain significance. Last evaluated: 2024-06-20. Review status: criteria provided, single submitter. Criteria: GeneDx Variant Classification Process June 2021. Collection method: clinical testing. Allele origin: germline. Affected: yes.
Comment: Not observed at significant frequency in large population cohorts (gnomAD); In silico analysis supports that this missense variant has a deleterious effect on protein structure/function; Has not been previously published as pathogenic or benign to our knowledge